The following is an entry in ClinVar:

NM_020435.4(GJC2):c.28A>G (p.Thr10Ala)

Gene: GJC2 (gap junction protein gamma 2; plus strand). Cytogenetic location: 1q42.13.
Variant type: single nucleotide variant.
Coding change: c.28A>G on transcript NM_020435.4 (MANE Select); coding-DNA position 28, A replaced by G.
Protein change: p.Thr10Ala; replaces threonine 10 with alanine.
Molecular consequence: missense variant.
Genome position (GRCh38, 1-based): chr1:228,157,786, A>G. VCF-style: chr1-228157786-A-G. GRCh37 (hg19) VCF-style: chr1-228345487-A-G.
Other names: short protein forms T10A.
Identifiers: ClinVar variation 4747569 (VCV004747569.1).

ClinVar aggregate classification (germline): Uncertain significance (1 of 4 stars; one submission).

Conditions:
Spastic paraplegia. Identifiers: MedGen C0037772, HP:0001258.

gnomAD v4.1: 1 of 1,166,118 alleles (0.000086%); highest among the groups gnomAD compares: Non-Finnish European, 0.00011%; no homozygotes.

Submission:

Labcorp Genetics (formerly Invitae), Labcorp
Classification: Uncertain significance for Spastic paraplegia. Last evaluated: 2025-10-14. Review status: criteria provided, single submitter. Criteria: Invitae Variant Classification Sherloc (09022015). Collection method: clinical testing. Allele origin: germline.
Comment: This sequence change replaces threonine, which is neutral and polar, with alanine, which is neutral and non-polar, at codon 10 of the GJC2 protein (p.Thr10Ala). This variant is not present in population databases (gnomAD no frequency). This variant has not been reported in the literature in individuals affected with GJC2-related conditions. Invitae Evidence Modeling of protein sequence and biophysical properties (such as structural, functional, and spatial information, amino acid conservation, physicochemical variation, residue mobility, and thermodynamic stability) indicates that this missense variant is expected to disrupt GJC2 protein function with a positive predictive value of 95%. In summary, the available evidence is currently insufficient to determine the role of this variant in disease. Therefore, it has been classified as a Variant of Uncertain Significance.